The following is an entry in ClinVar:

ClinVar aggregate classification (germline): Uncertain significance (1 of 4 stars; one submission).

Conditions:
Hereditary sensory neuropathy-deafness-dementia syndrome. Also called: HSN IE; Hereditary sensory neuropathy type IE; Hereditary Sensory and Autonomic Neuropathy Type 1E (HSAN1E); NEUROPATHY, HEREDITARY SENSORY, WITH HEARING LOSS AND DEMENTIA. Identifiers: Orphanet 456318, MedGen C3279885, MONDO:0013584, OMIM 614116.

Submission:

Labcorp Genetics (formerly Invitae), Labcorp
Classification: Uncertain significance for Hereditary sensory neuropathy-deafness-dementia syndrome. Last evaluated: 2022-11-08. Review status: criteria provided, single submitter. Criteria: Invitae Variant Classification Sherloc (09022015). Collection method: clinical testing. Allele origin: germline.
Comment: This sequence change replaces serine, which is neutral and polar, with arginine, which is basic and polar, at codon 1619 of the DNMT1 protein (p.Ser1619Arg). In summary, the available evidence is currently insufficient to determine the role of this variant in disease. Therefore, it has been classified as a Variant of Uncertain Significance. Algorithms developed to predict the effect of missense changes on protein structure and function output the following: SIFT: "Deleterious"; PolyPhen-2: "Not Available"; Align-GVGD: "Class C0". The arginine amino acid residue is found in multiple mammalian species, which suggests that this missense change does not adversely affect protein function. ClinVar contains an entry for this variant (Variation ID: 1060782). This variant has not been reported in the literature in individuals affected with DNMT1-related conditions. This variant is not present in population databases (gnomAD no frequency).

NM_001130823.3(DNMT1):c.4857T>G (p.Ser1619Arg)

Gene: DNMT1 (DNA methyltransferase 1; minus strand). Cytogenetic location: 19p13.2.
Variant type: single nucleotide variant.
Coding change: c.4857T>G on transcript NM_001130823.3 (MANE Select); coding-DNA position 4857, T replaced by G.
Protein change: p.Ser1619Arg; replaces serine 1619 with arginine.
Molecular consequence: missense variant.
Genome position (GRCh38, 1-based): chr19:10,134,224, A>C on the plus strand (T>G on the coding strand, the complement: DNMT1 is on the minus strand). VCF-style: chr19-10134224-A-C. GRCh37 (hg19) VCF-style: chr19-10244900-A-C.
Other names: c.4818T>G, p.Ser1606Arg (NM_001318730.2); c.4494T>G, p.Ser1498Arg (NM_001318731.2); c.4809T>G, p.Ser1603Arg (NM_001379.4); short protein forms S1498R, S1603R, S1606R, S1619R.
Identifiers: ClinVar variation 1060782 (VCV001060782.9), dbSNP rs2145247283, ClinGen allele CA403967148.